The following is an entry in ClinVar:

NM_001206927.2(DNAH8):c.5275A>G (p.Ile1759Val)

Gene: DNAH8 (dynein axonemal heavy chain 8; plus strand). Cytogenetic location: 6p21.2.
Variant type: single nucleotide variant.
Coding change: c.5275A>G on transcript NM_001206927.2 (MANE Select); coding-DNA position 5275, A replaced by G.
Protein change: p.Ile1759Val; replaces isoleucine 1759 with valine.
Molecular consequence: missense variant.
Genome position (GRCh38, 1-based): chr6:38,850,326, A>G. VCF-style: chr6-38850326-A-G. GRCh37 (hg19) VCF-style: chr6-38818102-A-G.
Other names: c.5275A>G (NM_001206927.1); c.4624A>G, p.Ile1542Val (NM_001371.4); short protein forms I1542V, I1759V.
Identifiers: ClinVar variation 2960179 (VCV002960179.4), dbSNP rs1775642975, ClinGen allele CA364011333.
Genomic context (GRCh38, chr6:38,850,326, plus strand): 5'-CAGAATATTGACAAGTCTTGGATAAAAATAATGCAGCGAGCTCATGAGAATCCCAATGTG[A>G]TTAATTGCTGTGTTGGAGATGAAACCATGGGACAACTTTTACCTCATTTACATGAGCAGT-3'
Protein context (NP_001193856.1, residues 1749-1769): MQRAHENPNV[Ile1759Val]NCCVGDETMG

ClinVar aggregate classification (germline): Uncertain significance. Review status: criteria provided, multiple submitters, no conflicts (2 of 4 stars). 2 submissions from 2 submitters: Uncertain significance (2). Last evaluated 2024-12-10.

Conditions:
Primary ciliary dyskinesia. Also called: Ciliary dyskinesia. Identifiers: Orphanet 244, MedGen C0008780, MONDO:0016575, HP:0012265.

Allele frequency attached by ClinVar (database versions not stated): gnomAD exomes below 0.00001; gnomAD 0.00001.
gnomAD v4.1: 3 of 1,613,608 alleles (0.00019%); highest among the groups gnomAD compares: South Asian, 0.0011%; no homozygotes.

Submissions (2):

Ambry Genetics
Classification: Uncertain significance. Last evaluated: 2024-12-10. Review status: criteria provided, single submitter. Criteria: Ambry Variant Classification Scheme 2023. Collection method: clinical testing. Allele origin: germline.

Labcorp Genetics (formerly Invitae), Labcorp
Classification: Uncertain significance for Primary ciliary dyskinesia. Last evaluated: 2024-02-01. Review status: criteria provided, single submitter. Criteria: Invitae Variant Classification Sherloc (09022015). Collection method: clinical testing. Allele origin: germline.
Comment: This sequence change replaces isoleucine, which is neutral and non-polar, with valine, which is neutral and non-polar, at codon 1759 of the DNAH8 protein (p.Ile1759Val). This variant is not present in population databases (gnomAD no frequency). This variant has not been reported in the literature in individuals affected with DNAH8-related conditions. Advanced modeling of protein sequence and biophysical properties (such as structural, functional, and spatial information, amino acid conservation, physicochemical variation, residue mobility, and thermodynamic stability) performed at Invitae indicates that this missense variant is not expected to disrupt DNAH8 protein function with a negative predictive value of 80%. In summary, the available evidence is currently insufficient to determine the role of this variant in disease. Therefore, it has been classified as a Variant of Uncertain Significance.